The following is an entry in ClinVar:

ClinVar aggregate classification (germline): Uncertain significance. Review status: criteria provided, multiple submitters, no conflicts (2 of 4 stars). 3 submissions from 3 submitters: Uncertain significance (3). Last evaluated 2025-09-12.

Conditions:
Inborn genetic diseases. Identifiers: MedGen C0950123, MeSH D030342.
Growth hormone insensitivity with immune dysregulation 1, autosomal recessive. Also called: Laron syndrome with immunodeficiency; GROWTH HORMONE INSENSITIVITY DUE TO POSTRECEPTOR DEFECT; LARON SYNDROME DUE TO POSTRECEPTOR DEFECT; GROWTH HORMONE INSENSITIVITY SYNDROME WITH IMMUNE DYSREGULATION 1, AUTOSOMAL RECESSIVE. Identifiers: Orphanet 220465, MedGen C5435698, MONDO:0100211, OMIM 245590.

Allele frequency attached by ClinVar (database versions not stated): ExAC below 0.00001; gnomAD exomes 0.00002; gnomAD 0.00004; TOPMed 0.00004.

Submissions (3):

Women's Health and Genetics/Laboratory Corporation of America, LabCorp
Classification: Uncertain significance. Last evaluated: 2025-09-12. Review status: criteria provided, single submitter. Criteria: LabCorp Variant Classification Summary - May 2015. Collection method: clinical testing. Allele origin: germline.
Comment: Variant summary: STAT5B c.787G>A (p.Gly263Arg) results in a non-conservative amino acid change in the encoded protein sequence. Algorithms developed to predict the effect of missense changes on protein structure and function are either unavailable or do not agree on the potential impact of this missense change. The variant allele was found at a frequency of 2.4e-05 in 1484950 control chromosomes. This frequency is not significantly higher than estimated for disease-causing variants in STAT5B, allowing no conclusion about variant significance. To our knowledge, no occurrence of c.787G>A in individuals affected with STAT5B-related conditions and no experimental evidence demonstrating its impact on protein function have been reported. ClinVar contains an entry for this variant (Variation ID: 640215). Based on the evidence outlined above, the variant was classified as uncertain significance.

Ambry Genetics
Classification: Uncertain significance for Inborn genetic diseases. Last evaluated: 2023-11-18. Review status: criteria provided, single submitter. Criteria: Ambry Variant Classification Scheme 2023. Collection method: clinical testing. Allele origin: germline.

Labcorp Genetics (formerly Invitae), Labcorp
Classification: Uncertain significance for Growth hormone insensitivity with immune dysregulation 1, autosomal recessive. Last evaluated: 2020-04-27. Review status: criteria provided, single submitter. Criteria: Invitae Variant Classification Sherloc (09022015). Collection method: clinical testing. Allele origin: germline.
Comment: In summary, the available evidence is currently insufficient to determine the role of this variant in disease. Therefore, it has been classified as a Variant of Uncertain Significance. This sequence change replaces glycine with arginine at codon 263 of the STAT5B protein (p.Gly263Arg). The glycine residue is highly conserved and there is a moderate physicochemical difference between glycine and arginine. The frequency data for this variant in the population databases is considered unreliable, as metrics indicate poor data quality at this position in the ExAC database. This variant has not been reported in the literature in individuals with STAT5B-related conditions. Algorithms developed to predict the effect of missense changes on protein structure and function are either unavailable or do not agree on the potential impact of this missense change (SIFT: "Deleterious"; PolyPhen-2: "Probably Damaging"; Align-GVGD: "Class C0").

NM_012448.4(STAT5B):c.787G>A (p.Gly263Arg)

Gene: STAT5B (signal transducer and activator of transcription 5B; minus strand). Cytogenetic location: 17q21.2.
Variant type: single nucleotide variant.
Coding change: c.787G>A on transcript NM_012448.4 (MANE Select); coding-DNA position 787, G replaced by A.
Protein change: p.Gly263Arg; replaces glycine 263 with arginine.
Molecular consequence: missense variant.
Genome position (GRCh38, 1-based): chr17:42,219,358, C>T on the plus strand (G>A on the coding strand, the complement: STAT5B is on the minus strand). VCF-style: chr17-42219358-C-T. GRCh37 (hg19) VCF-style: chr17-40371376-C-T.
Other names: short protein forms G263R.
Identifiers: ClinVar variation 640215 (VCV000640215.11), dbSNP rs759281260, ClinGen allele CA8574202.